The following is an entry in ClinVar:

NM_001145809.2(MYH14):c.4444C>T (p.Arg1482Trp)

Gene: MYH14 (myosin heavy chain 14; plus strand). Cytogenetic location: 19q13.33.
Variant type: single nucleotide variant.
Coding change: c.4444C>T on transcript NM_001145809.2 (MANE Select); coding-DNA position 4444, C replaced by T.
Protein change: p.Arg1482Trp; replaces arginine 1482 with tryptophan.
Molecular consequence: missense variant.
Genome position (GRCh38, 1-based): chr19:50,281,747, C>T. VCF-style: chr19-50281747-C-T. GRCh37 (hg19) VCF-style: chr19-50785004-C-T.
Other names: c.4345C>T, p.Arg1449Trp (NM_001077186.2); c.4321C>T, p.Arg1441Trp (NM_024729.4); short protein forms R1441W, R1449W, R1482W.
Identifiers: ClinVar variation 1308221 (VCV001308221.5), dbSNP rs779630814, ClinGen allele CA9593510.
Genomic context (GRCh38, chr19:50,281,747, plus strand): 5'-CTGACCCAGCGCCTGGCAGAAAAGACAGAGACCGTGGATCGGCTGGAGCGGGGCCGCCGC[C>T]GGCTGCAGCAGGAGCTGGACGACGCCACCATGGACCTGGAGCAGCAGCGGCAGCTTGTGA-3'
Protein context (NP_001139281.1, residues 1472-1492): TVDRLERGRR[Arg1482Trp]LQQELDDATM

ClinVar aggregate classification (germline): Uncertain significance. Review status: criteria provided, multiple submitters, no conflicts (2 of 4 stars). 2 submissions from 2 submitters: Uncertain significance (2). Last evaluated 2025-10-01.

Allele frequency attached by ClinVar (database versions not stated): gnomAD exomes 0.00001 and 0.00002; gnomAD 0.00001; ExAC 0.00002.
gnomAD v4.1: 14 of 1,612,102 alleles (0.00087%); highest among the groups gnomAD compares: Admixed American, 0.0067%; no homozygotes.

Submissions (2):

Labcorp Genetics (formerly Invitae), Labcorp
Classification: Uncertain significance. Last evaluated: 2025-10-01. Review status: criteria provided, single submitter. Criteria: Invitae Variant Classification Sherloc (09022015). Collection method: clinical testing. Allele origin: germline.
Comment: This sequence change replaces arginine, which is basic and polar, with tryptophan, which is neutral and slightly polar, at codon 1441 of the MYH14 protein (p.Arg1441Trp). This variant is present in population databases (rs779630814, gnomAD 0.01%). This missense change has been observed in individual(s) with deafness (PMID: 34515852). ClinVar contains an entry for this variant (Variation ID: 1308221). Invitae Evidence Modeling of protein sequence and biophysical properties (such as structural, functional, and spatial information, amino acid conservation, physicochemical variation, residue mobility, and thermodynamic stability) indicates that this missense variant is expected to disrupt MYH14 protein function with a positive predictive value of 80%. In summary, the available evidence is currently insufficient to determine the role of this variant in disease. Therefore, it has been classified as a Variant of Uncertain Significance.

GeneDx
Classification: Uncertain significance. Last evaluated: 2019-03-19. Review status: criteria provided, single submitter. Criteria: GeneDx Variant Classification Process June 2021. Collection method: clinical testing. Allele origin: germline. Affected: yes.
Comment: In silico analysis, which includes protein predictors and evolutionary conservation, supports a deleterious effect; Has not been previously published as pathogenic or benign to our knowledge

Literature cited by the submitters: PubMed 34515852 (cited by Labcorp Genetics (formerly Invitae), Labcorp).